The following is an entry in ClinVar:

NM_001256789.3(CACNA1F):c.1850G>A (p.Arg617His)

Gene: CACNA1F (calcium voltage-gated channel subunit alpha1 F; minus strand). Cytogenetic location: Xp11.23.
Variant type: single nucleotide variant.
Coding change: c.1850G>A on transcript NM_001256789.3 (MANE Select); coding-DNA position 1850, G replaced by A.
Protein change: p.Arg617His; replaces arginine 617 with histidine.
Molecular consequence: missense variant.
Genome position (GRCh38, 1-based): chrX:49,224,788, C>T on the plus strand (G>A on the coding strand, the complement: CACNA1F is on the minus strand). VCF-style: chrX-49224788-C-T. GRCh37 (hg19) VCF-style: chrX-49081250-C-T.
Other names: c.1688G>A, p.Arg563His (NM_001256790.3); c.1883G>A, p.Arg628His (NM_005183.4); short protein forms R628H, R617H, R563H.
Identifiers: ClinVar variation 1040090 (VCV001040090.8), dbSNP rs200585761, ClinGen allele CA412914488.

ClinVar aggregate classification (germline): Uncertain significance (1 of 4 stars; one submission).

Allele frequency attached by ClinVar (database versions not stated): gnomAD exomes 0.00001 and 0.00004; gnomAD 0.00002; TOPMed 0.00002.
gnomAD v4.1: 10 of 1,180,261 alleles (0.00085%); highest among the groups gnomAD compares: Admixed American, 0.0024%; no homozygotes.

Submission:

Labcorp Genetics (formerly Invitae), Labcorp
Classification: Uncertain significance. Last evaluated: 2022-03-10. Review status: criteria provided, single submitter. Criteria: Invitae Variant Classification Sherloc (09022015). Collection method: clinical testing. Allele origin: germline.
Comment: This sequence change replaces arginine, which is basic and polar, with histidine, which is basic and polar, at codon 628 of the CACNA1F protein (p.Arg628His). In summary, the available evidence is currently insufficient to determine the role of this variant in disease. Therefore, it has been classified as a Variant of Uncertain Significance. Algorithms developed to predict the effect of missense changes on protein structure and function are either unavailable or do not agree on the potential impact of this missense change (SIFT: "Deleterious"; PolyPhen-2: "Probably Damaging"; Align-GVGD: "Class C0"). ClinVar contains an entry for this variant (Variation ID: 1040090). This variant has not been reported in the literature in individuals affected with CACNA1F-related conditions. This variant is present in population databases (no rsID available, gnomAD 0.006%).